The following is an entry in ClinVar:

ClinVar aggregate classification (germline): Pathogenic. Review status: criteria provided, multiple submitters, no conflicts (2 of 4 stars). 4 submissions from 4 submitters: Pathogenic (3). 1 of the submissions does not count toward it. Last evaluated 2026-08-31.

Conditions:
Cone-rod synaptic disorder, congenital nonprogressive. Also called: NIGHT BLINDNESS, CONGENITAL STATIONARY, INCOMPLETE, AUTOSOMAL RECESSIVE. Identifiers: Orphanet 215, MedGen C4041558, MONDO:0012490, OMIM 610427.
CABP4-related disorder. Also called: CABP4-related condition.

gnomAD v4.1: 38 of 1,603,252 alleles (0.0024%); highest among the groups gnomAD compares: Admixed American, 0.0052%; no homozygotes.

Submissions (4):

PreventionGenetics, part of Exact Sciences
Classification: Pathogenic for CABP4-related condition. Last evaluated: 2026-08-31. Review status: criteria provided, single submitter. Criteria: ACMG Guidelines, 2015. Collection method: clinical testing. Allele origin: germline.
Comment: The CABP4 c.154C>T variant is predicted to result in premature protein termination (p.Arg52*). This variant has been reported in individuals with retinitis pigmentosa or congenital stationary night blindness (Table S1, Villafuerte-de la Cruz et al. 2024. PubMed ID: 38347443; Zeitz et al. 2015. PubMed ID: 25307992). This variant is reported in 0.0094% of alleles in individuals of Latino descent in gnomAD. Nonsense variants in CABP4 are expected to be pathogenic. This variant is interpreted as pathogenic.

Labcorp Genetics (formerly Invitae), Labcorp
Classification: Pathogenic. Last evaluated: 2024-03-28. Review status: criteria provided, single submitter. Criteria: Invitae Variant Classification Sherloc (09022015). Collection method: clinical testing. Allele origin: germline.
Comment: This sequence change creates a premature translational stop signal (p.Arg52*) in the CABP4 gene. It is expected to result in an absent or disrupted protein product. Loss-of-function variants in CABP4 are known to be pathogenic (PMID: 25307992). This variant is present in population databases (rs745382789, gnomAD 0.01%). This premature translational stop signal has been observed in individual(s) with congenital stationary night blindness (PMID: 25307992). ClinVar contains an entry for this variant (Variation ID: 1069487). For these reasons, this variant has been classified as Pathogenic.

Blueprint Genetics
Classification: Pathogenic for CABP4-related disorders. Last evaluated: 2024-02-28. Review status: criteria provided, single submitter. Criteria: ACMG Guidelines, 2015. Collection method: clinical testing. Allele origin: germline. Affected: yes. Observed: 5 variant alleles.

Genomics England Pilot Project, Genomics England
Classification: Pathogenic for Cone-rod synaptic disorder, congenital nonprogressive. Review status: no assertion criteria provided. Criteria: ACGS Guidelines, 2016. Collection method: clinical testing. Allele origin: germline. Affected: yes. Not counted in ClinVar's aggregate classification.

Literature cited by the submitters: PubMed 25307992 (cited by Labcorp Genetics (formerly Invitae), Labcorp).

NM_145200.5(CABP4):c.154C>T (p.Arg52Ter)

Gene: CABP4 (calcium binding protein 4; plus strand). Cytogenetic location: 11q13.2.
Variant type: single nucleotide variant.
Coding change: c.154C>T on transcript NM_145200.5 (MANE Select); coding-DNA position 154, C replaced by T.
Protein change: p.Arg52Ter; replaces arginine 52 with a stop codon.
Molecular consequence: nonsense. On other transcripts: 5 prime UTR variant (2), non-coding transcript variant (1), intron variant (1).
Genome position (GRCh38, 1-based): chr11:67,455,577, C>T. VCF-style: chr11-67455577-C-T. GRCh37 (hg19) VCF-style: chr11-67223048-C-T.
Other names: c.-230C>T (NM_001300895.3); c.-244C>T (NM_001379183.1); c.-112-132C>T (NM_001300896.3); c.154C>T (NM_145200.3); short protein forms R52*.
Identifiers: ClinVar variation 1069487 (VCV001069487.11), dbSNP rs745382789, ClinGen allele CA6140079.